The following is an entry in ClinVar:

NM_030973.4(MED25):c.751G>A (p.Ala251Thr)

Gene: MED25 (mediator complex subunit 25; plus strand). Cytogenetic location: 19q13.33.
Variant type: single nucleotide variant.
Coding change: c.751G>A on transcript NM_030973.4 (MANE Select); coding-DNA position 751, G replaced by A.
Protein change: p.Ala251Thr; replaces alanine 251 with threonine.
Molecular consequence: missense variant.
Genome position (GRCh38, 1-based): chr19:49,830,150, G>A. VCF-style: chr19-49830150-G-A. GRCh37 (hg19) VCF-style: chr19-50333407-G-A.
Other names: c.751G>A, p.Ala251Thr (NM_001378355.1); short protein forms A251T.
Identifiers: ClinVar variation 655582 (VCV000655582.10), dbSNP rs775622130, ClinGen allele CA9585002.

ClinVar aggregate classification (germline): Uncertain significance. Review status: criteria provided, multiple submitters, no conflicts (2 of 4 stars). 2 submissions from 2 submitters: Uncertain significance (2). Last evaluated 2022-08-19.

Conditions:
Charcot-Marie-Tooth disease type 2B2 (CMT2B2). Also called: CHARCOT-MARIE-TOOTH DISEASE, AXONAL, AUTOSOMAL RECESSIVE, TYPE 2B2; CHARCOT-MARIE-TOOTH DISEASE, AXONAL, TYPE 2B2; CHARCOT-MARIE-TOOTH DISEASE, NEURONAL, TYPE 2B2; Charcot-Marie-Tooth Neuropathy Type 2B2. Identifiers: Orphanet 101101, MedGen C1854150, MONDO:0011570, OMIM 605589.
Charcot-Marie-Tooth disease type 2. Also called: Charcot-Marie-Tooth type 2. Identifiers: Orphanet 64746, MedGen C0270914, MONDO:0018993.
Charcot-Marie-Tooth disease. Also called: Charcot-Marie-Tooth Neuropathy; Charcot-Marie-Tooth Hereditary Neuropathy. Identifiers: Orphanet 166, MedGen C0007959, MONDO:0015626.

Allele frequency attached by ClinVar (database versions not stated): ExAC 0.00002; TOPMed 0.00004; gnomAD exomes 0.00002; gnomAD 0.00001.
gnomAD v4.1: 76 of 1,602,084 alleles (0.0047%); highest among the groups gnomAD compares: Non-Finnish European, 0.0059%; no homozygotes.

Submissions (2):

Labcorp Genetics (formerly Invitae), Labcorp
Classification: Uncertain significance for Charcot-Marie-Tooth disease type 2. Last evaluated: 2022-08-19. Review status: criteria provided, single submitter. Criteria: Invitae Variant Classification Sherloc (09022015). Collection method: clinical testing. Allele origin: germline.
Comment: This sequence change replaces alanine, which is neutral and non-polar, with threonine, which is neutral and polar, at codon 251 of the MED25 protein (p.Ala251Thr). This variant is present in population databases (rs775622130, gnomAD 0.003%). This missense change has been observed in individual(s) with clinical features of Charcot-Marie-Tooth disease (PMID: 32376792). ClinVar contains an entry for this variant (Variation ID: 655582). Algorithms developed to predict the effect of missense changes on protein structure and function output the following: SIFT: "Tolerated"; PolyPhen-2: "Benign"; Align-GVGD: "Class C0". The threonine amino acid residue is found in multiple mammalian species, which suggests that this missense change does not adversely affect protein function. In summary, the available evidence is currently insufficient to determine the role of this variant in disease. Therefore, it has been classified as a Variant of Uncertain Significance.

Molecular Genetics Laboratory, London Health Sciences Centre
Classification: Uncertain significance for Charcot-Marie-Tooth disease. Review status: criteria provided, single submitter. Criteria: ACMG Guidelines, 2015. Collection method: clinical testing. Allele origin: germline. Affected: yes.

Literature cited by the submitters: PubMed 32376792 (cited by Labcorp Genetics (formerly Invitae), Labcorp).